The following is an entry in ClinVar:

ClinVar aggregate classification (germline): Pathogenic. Review status: reviewed by expert panel (3 of 4 stars). 25 submissions from 25 submitters: Pathogenic (1). 24 of the submissions do not count toward it. Last evaluated 2016-09-08.

Conditions:
BRCA2-related disorder. Also called: BRCA2-related condition; BRCA2-related disorders. Identifiers: MedGen CN239275.
Pancreatic cancer, susceptibility to, 2. Identifiers: Orphanet 1333, MedGen C3150546, MONDO:0013235, OMIM 613347.
Glioma susceptibility 3 (GLM3). Also called: Glioblastoma 3. Identifiers: Orphanet 182067, Orphanet 360, MedGen C2751641, MONDO:0013093, OMIM 613029.
Familial prostate cancer. Also called: Hereditary Prostate Cancer. Identifiers: MedGen C2931456, MONDO:0700275, OMIM 176807.
Breast-ovarian cancer, familial, susceptibility to, 2 (BROVCA2). Also called: BRCA2 Hereditary Breast and Ovarian Cancer. Identifiers: Orphanet 145, MedGen C2675520, MONDO:0012933, OMIM 612555. Disease mechanism: loss of function.
Fanconi anemia complementation group D1. Also called: BRCA2-Related Fanconi Anemia. Identifiers: Orphanet 319462, MedGen C1838457, MONDO:0011584, OMIM 605724.
Medulloblastoma (MDB). Also called: Medulloblastoma, somatic; MEDULLOBLASTOMA PREDISPOSITION SYNDROME. Identifiers: Orphanet 616, MedGen C0025149, MeSH D008527, MONDO:0007959, OMIM 155255, HP:0002885.
Wilms tumor 1 (WT1). Also called: Wilms tumor, somatic. Identifiers: Orphanet 654, MedGen CN033288, MONDO:0008679, OMIM 194070.
Familial cancer of breast. Also called: BREAST CANCER, FAMILIAL; hereditary breast carcinoma; Hereditary breast cancer. Identifiers: Orphanet 227535, MedGen C0346153, MONDO:0016419, OMIM 114480. Disease mechanism: loss of function.
BRCA2-related cancer predisposition. Identifiers: MedGen CN377758, MONDO:0700269.
Hereditary cancer-predisposing syndrome. Also called: Neoplastic Syndromes, Hereditary; Tumor predisposition; Hereditary Cancer Syndrome; Hereditary neoplastic syndrome. Identifiers: Orphanet 140162, MedGen C0027672, MeSH D009386, MONDO:0015356.
Hereditary breast ovarian cancer syndrome. Also called: Breast and ovarian cancer; Hereditary breast and ovarian cancer; Hereditary breast and ovarian cancer syndrome (HBOC); Hereditary breast and ovarian cancer syndrome; BRCA1- and BRCA2-Associated Hereditary Breast and Ovarian Cancer; Hereditary breast and/or ovarian cancer syndrome. Identifiers: Orphanet 145, MedGen C0677776, MeSH D061325, MONDO:0003582. Disease mechanism: loss of function.

Submissions 1 to 7 of 25:

Evidence-based Network for the Interpretation of Germline Mutant Alleles (ENIGMA)
Classification: Pathogenic for Breast-ovarian cancer, familial, susceptibility to, 2. Last evaluated: 2016-09-08. Review status: reviewed by expert panel. Criteria: ENIGMA BRCA1/2 Classification Criteria (2015). Collection method: curation. Allele origin: germline.
Comment: Variant allele predicted to encode a truncated non-functional protein.

Labcorp Genetics (formerly Invitae), Labcorp
Classification: Pathogenic for Hereditary breast ovarian cancer syndrome. Last evaluated: 2026-01-26. Review status: criteria provided, single submitter. Criteria: Invitae Variant Classification Sherloc (09022015). Collection method: clinical testing. Allele origin: germline. Not counted in ClinVar's aggregate classification.
Comment: This sequence change creates a premature translational stop signal (p.Lys585Asnfs*3) in the BRCA2 gene. It is expected to result in an absent or disrupted protein product. Loss-of-function variants in BRCA2 are known to be pathogenic (PMID: 20104584). This variant is present in population databases (rs80359302, gnomAD 0.0009%). This premature translational stop signal has been observed in individual(s) with breast and/or ovarian cancer and breast, pancreatic, and fallopian tube cancer (PMID: 15131399, 16284991, 19620486, 20616022, 25186627, 26681312). This variant is also known as 1983del5. ClinVar contains an entry for this variant (Variation ID: 37754). RNA analysis performed to evaluate the impact of this premature translational stop signal on mRNA splicing indicates it does not significantly alter splicing (internal data). For these reasons, this variant has been classified as Pathogenic.

Helix
Classification: Pathogenic for Breast-ovarian cancer, familial, susceptibility to, 2. Last evaluated: 2025-08-18. Review status: criteria provided, single submitter. Criteria: ACMG Guidelines, 2015. Collection method: clinical testing. Allele origin: germline. Inheritance: Autosomal dominant inheritance. Not counted in ClinVar's aggregate classification.
Comment: This variant (NM_000059.4:c.1755_1759del p.Lys585AsnfsTer3) results in a frameshift, which creates a premature stop codon in the BRCA2 gene. It is predicted to result in nonsense-mediated mRNA decay or in the production of a truncated protein, leading to loss-of-function (LOF). LOF variants in this gene are known to be deleterious (PMID: 20104584, 20301575). This variant is also known as 1983del5. It is present in the non-cancer cohort of the gnomAD population database (PMID: 32461654) at the highest allele frequency in the European (non-Finnish) subpopulation among non-founder subpopulations (1/102312 alleles, 0.000977%). This variant has been observed in individual(s) with BRCA2-related cancers (PMID: 28888541, 30309722). This variant is present in ClinVar (Accession: VCV000037754.53). In conclusion, this variant has been classified as Pathogenic.

Variantyx, Inc.
Classification: Pathogenic for Breast-ovarian cancer, familial, susceptibility to, 2. Last evaluated: 2025-08-13. Review status: criteria provided, single submitter. Criteria: Variantyx Assertion Criteria 2022. Collection method: clinical testing. Allele origin: germline. Inheritance: Autosomal dominant inheritance. Affected: yes. Not counted in ClinVar's aggregate classification.
Comment: This is a frameshift variant in the BRCA2 gene (OMIM: 600185). Pathogenic variants in this gene have been associated with autosomal dominant susceptibility to familial breast-ovarian cancer 2. This variant introduces a premature termination codon in exon 10 out of 27 and is expected to result in loss of function, which is a known disease mechanism for BRCA2 in this disorder (PVS1). (PMID: 20301425). This variant has a 0.0006% maximum allele frequency in non-founder control populations (PM2). Other reputable laboratories have reported this variant as pathogenic or likely pathogenic, and this classification has been validated by an expert panel in ClinVar (PP5). Based on the current evidence, this variant is classified as pathogenic for autosomal dominant susceptibility to familial breast-ovarian cancer 2.

Institute for Biomarker Research, Medical Diagnostic Laboratories, L.L.C.
Classification: Pathogenic for Hereditary breast ovarian cancer syndrome. Last evaluated: 2025-05-27. Review status: criteria provided, single submitter. Criteria: ACMG Guidelines, 2015. Collection method: clinical testing. Allele origin: germline. Not counted in ClinVar's aggregate classification.
Comment: The frameshift deletion NM_000059.4(BRCA2):c.1755_1759delGAAAA (p.Lys585Asnfs*3) has been reported to ClinVar as Pathogenic with a status of (3 stars) reviewed by expert panel (Variation ID 37754 as of 2025-05-01). The p.Lys585Asnfs*3 variant is observed in 1/113,302 (0.0009%) alleles from individuals of gnomAD Non Finnish European background in gnomAD. This variant is predicted to cause loss of normal protein function through protein truncation caused a frameshift mutation. This variant is a frameshift variant which occurs in an exon of BRCA2 upstream of where nonsense mediated decay is predicted to occur. This variant has been previously classified as pathogenic, indicating that the region is critical to protein function.. For these reasons, this variant has been classified as Pathogenic.

Ambry Genetics
Classification: Pathogenic for Hereditary cancer-predisposing syndrome. Last evaluated: 2025-05-08. Review status: criteria provided, single submitter. Criteria: Ambry Variant Classification Scheme 2023. Collection method: clinical testing. Allele origin: germline. Not counted in ClinVar's aggregate classification.
Comment: The c.1755_1759delGAAAA pathogenic mutation, located in coding exon 9 of the BRCA2 gene, results from a deletion of 5 nucleotides at nucleotide positions 1755 to 1759, causing a translational frameshift with a predicted alternate stop codon (p.K585Nfs*3). This mutation has been reported in multiple breast and/or ovarian cancer families to date (Lubinski J et al. Fam. Cancer. 2004;3:1-10; Watson P et al. J. Clin. Oncol. 2009 Aug;27:3894-900; Tung N et al. Cancer. 2015 Jan;121:25-33). This alteration has also been reported in one high risk pancreatic cancer family (Couch FJ et al. Cancer Epidemiol. Biomarkers Prev. 2007 Feb;16:342-6). Of note, this mutation is also designated as 1983del5 in published literature. In addition to the clinical data presented in the literature, this alteration is expected to result in loss of function by premature protein truncation or nonsense-mediated mRNA decay. As such, this alteration is interpreted as a disease-causing mutation.

Quest Diagnostics Nichols Institute San Juan Capistrano
Classification: Pathogenic. Last evaluated: 2025-03-26. Review status: criteria provided, single submitter. Criteria: Quest Diagnostics criteria. Collection method: clinical testing. Allele origin: unknown. Not counted in ClinVar's aggregate classification.
Comment: The BRCA2 c.1755_1759del (p.Lys585Asnfs*3) variant alters the translational reading frame of the BRCA2 mRNA and causes the premature termination of BRCA2 protein synthesis. This variant has been reported in the published literature in individuals with a personal and/or family history of breast and/or ovarian cancer (PMID: 28888541 (2020), 26681312 (2017), 25186627 (2015), 22009639 (2012), 15131399 (2004)). The frequency of this variant in the general population (Genome Aggregation Database) is consistent with pathogenicity. Based on the available information, this variant is classified as pathogenic.

NM_000059.4(BRCA2):c.1755_1759del (p.Lys585fs)

Gene: BRCA2 (BRCA2 DNA repair associated; plus strand). Cytogenetic location: 13q13.1.
Variant type: Deletion.
Coding change: c.1755_1759del on transcript NM_000059.4 (MANE Select); coding-DNA positions 1755 to 1759, 5 bases deleted (GAAAA; older notation c.1755_1759delGAAAA).
Protein change: p.Lys585fs; shifts the reading frame from lysine 585.
Molecular consequence: frameshift variant.
Genome position (GRCh38, 1-based): chr13:32,333,233-32,333,237, GAAAA deleted; deleting any 5 consecutive bases within chr13:32,333,229-32,333,237 gives the same sequence; the c. name uses the placement nearest the transcript's 3' end. VCF-style (leftmost placement, unchanged base first): chr13-32333228-AAAAAG-A. GRCh37 (hg19) VCF-style: chr13-32907365-AAAAAG-A.
Other names: 1983del5; c.1755_1759delGAAAA (NM_000059.3).
Identifiers: ClinVar variation 37754 (VCV000037754.60), dbSNP rs80359302, ClinGen allele CA013079.